The following is an entry in ClinVar:

NM_031935.3(HMCN1):c.7574C>G (p.Ala2525Gly)

Gene: HMCN1 (hemicentin 1; plus strand). Cytogenetic location: 1q31.1.
Variant type: single nucleotide variant.
Coding change: c.7574C>G on transcript NM_031935.3 (MANE Select); coding-DNA position 7574, C replaced by G.
Protein change: p.Ala2525Gly; replaces alanine 2525 with glycine.
Molecular consequence: missense variant.
Genome position (GRCh38, 1-based): chr1:186,065,298, C>G. VCF-style: chr1-186065298-C-G. GRCh37 (hg19) VCF-style: chr1-186034430-C-G.
Other names: short protein forms A2525G.
Identifiers: ClinVar variation 4773776 (VCV004773776.1).

ClinVar aggregate classification (germline): Uncertain significance (1 of 4 stars; one submission).

Submission:

Labcorp Genetics (formerly Invitae), Labcorp
Classification: Uncertain significance. Last evaluated: 2025-11-19. Review status: criteria provided, single submitter. Criteria: Invitae Variant Classification Sherloc (09022015). Collection method: clinical testing. Allele origin: germline.
Comment: This sequence change replaces alanine, which is neutral and non-polar, with glycine, which is neutral and non-polar, at codon 2525 of the HMCN1 protein (p.Ala2525Gly). This variant is not present in population databases (gnomAD no frequency). This variant has not been reported in the literature in individuals affected with HMCN1-related conditions. An algorithm developed to predict the effect of missense changes on protein structure and function (PolyPhen-2) suggests that this variant is likely to be tolerated. In summary, the available evidence is currently insufficient to determine the role of this variant in disease. Therefore, it has been classified as a Variant of Uncertain Significance.